The following is an entry in ClinVar:

NM_000512.5(GALNS):c.1443C>T (p.Pro481=)

Genes: GALNS (galactosamine (N-acetyl)-6-sulfatase; minus strand), LOC126862447 (CDK7 strongly-dependent group 2 enhancer GRCh37_chr16:88884193-88885392; plus strand). Cytogenetic location: 16q24.3.
Variant type: single nucleotide variant.
Coding change: c.1443C>T on transcript NM_000512.5 (MANE Select); coding-DNA position 1443, C replaced by T.
Protein change: p.Pro481=; no amino-acid change (proline 481 retained).
Molecular consequence: synonymous variant.
Genome position (GRCh38, 1-based): chr16:88,818,046, G>A on the plus strand (C>T on the coding strand, the complement: GALNS is on the minus strand). VCF-style: chr16-88818046-G-A. GRCh37 (hg19) VCF-style: chr16-88884454-G-A.
Other names: c.888C>T, p.Pro296= (NM_001323543.2); c.1461C>T, p.Pro487= (NM_001323544.2).
Identifiers: ClinVar variation 321188 (VCV000321188.42), dbSNP rs147536058, ClinGen allele CA8234663.

ClinVar aggregate classification (germline): Benign/Likely benign. Review status: criteria provided, multiple submitters, no conflicts (2 of 4 stars). 6 submissions from 6 submitters: Benign (3); Likely benign (3). Last evaluated 2026-08-01.

Conditions:
Mucopolysaccharidosis, MPS-IV-A (MPS4A). Also called: Morquio syndrome A, mild; MORQUIO SYNDROME A; Mucopolysaccharidosis type IV A; MPS IVA; MORQUIO A DISEASE; mucopolysaccharidosis type 4A. Identifiers: Orphanet 309297, Orphanet 582, MedGen C0086651, MONDO:0009659, OMIM 253000.

Allele frequency attached by ClinVar (database versions not stated): 1000 Genomes Project 30x 0.00047; 1000 Genomes Project 0.00060; TOPMed 0.00261; ESP Exome Variant Server 0.00302; gnomAD exomes 0.00306 and 0.00383; gnomAD 0.00325 and 0.00336; ExAC 0.00643.
gnomAD v4.1: 5,975 of 1,582,724 alleles (0.38%); highest among the groups gnomAD compares: Non-Finnish European, 0.45%; 19 homozygotes.

Submissions (6):

CeGaT Center for Human Genetics Tuebingen
Classification: Likely benign. Last evaluated: 2026-08-01. Review status: criteria provided, single submitter. Criteria: CeGaT Center For Human Genetics Tuebingen Variant Classification Criteria Version 2. Collection method: clinical testing. Allele origin: germline. Affected: yes. Observed: 4 variant alleles.
Comment: GALNS: BP4, BP7, BS2

Labcorp Genetics (formerly Invitae), Labcorp
Classification: Benign for Mucopolysaccharidosis, MPS-IV-A. Last evaluated: 2026-02-02. Review status: criteria provided, single submitter. Criteria: Invitae Variant Classification Sherloc (09022015). Collection method: clinical testing. Allele origin: germline.

Women's Health and Genetics/Laboratory Corporation of America, LabCorp
Classification: Benign. Last evaluated: 2021-12-10. Review status: criteria provided, single submitter. Criteria: LabCorp Variant Classification Summary - May 2015. Collection method: clinical testing. Allele origin: germline.

Genome-Nilou Lab
Classification: Benign for Mucopolysaccharidosis, MPS-IV-A. Last evaluated: 2021-11-07. Review status: criteria provided, single submitter. Criteria: ACMG Guidelines, 2015. Collection method: clinical testing. Allele origin: germline. Affected: no.

Illumina Laboratory Services, Illumina
Classification: Likely benign for Mucopolysaccharidosis, MPS-IV-A. Last evaluated: 2018-01-12. Review status: criteria provided, single submitter. Criteria: ICSL Variant Classification Criteria 13 December 2019. Collection method: clinical testing. Allele origin: germline.
Comment: This variant was observed in the ICSL laboratory as part of a predisposition screen in an ostensibly healthy population. It had not been previously curated by ICSL or reported in the Human Gene Mutation Database (HGMD: prior to June 1st, 2018), and was therefore a candidate for classification through an automated scoring system. Utilizing variant allele frequency, disease prevalence and penetrance estimates, and inheritance mode, an automated score was calculated to assess if this variant is too frequent to cause the disease. Based on the score and internal cut-off values, a variant classified as likely benign is not then subjected to further curation. The score for this variant resulted in a classification of likely benign for this disease.

Breakthrough Genomics
Classification: Likely benign. Review status: criteria provided, single submitter. Criteria: ACMG Guidelines, 2015. Collection method: not provided. Allele origin: germline. Inheritance: Autosomal recessive inheritance. Affected: yes.